The following is an entry in ClinVar:

ClinVar aggregate classification (germline): Uncertain significance (1 of 4 stars; one submission).

Submission:

GeneDx
Classification: Uncertain significance. Last evaluated: 2023-02-10. Review status: criteria provided, single submitter. Criteria: GeneDx Variant Classification Process June 2021. Collection method: clinical testing. Allele origin: germline. Affected: yes.
Comment: Not observed at significant frequency in large population cohorts (gnomAD); In silico analysis supports that this missense variant has a deleterious effect on protein structure/function; Has not been previously published as pathogenic or benign to our knowledge; located in one of the three hot-spot regions of the RYR2 gene, where the majority of pathogenic missense variants occur (Medeiros-Domingo et al., 2009)

NM_001035.3(RYR2):c.11685A>C (p.Lys3895Asn)

Gene: RYR2 (ryanodine receptor 2; plus strand). Cytogenetic location: 1q43.
Variant type: single nucleotide variant.
Coding change: c.11685A>C on transcript NM_001035.3 (MANE Select); coding-DNA position 11685, A replaced by C.
Protein change: p.Lys3895Asn; replaces lysine 3895 with asparagine.
Molecular consequence: missense variant.
Genome position (GRCh38, 1-based): chr1:237,773,558, A>C. VCF-style: chr1-237773558-A-C. GRCh37 (hg19) VCF-style: chr1-237936858-A-C.
Other names: short protein forms K3895N.
Identifiers: ClinVar variation 2575787 (VCV002575787.1), dbSNP rs2527631625, ClinGen allele CA345407733.
Genomic context (GRCh38, chr1:237,773,558, plus strand): 5'-TAATATCATCTCTATTTCCCAGGAATCAATTAGTGACTTTTATTGGTATTACTCTGGGAA[A>C]GATGTTATTGATGAACAAGGACAACGGAATTTCTCCAAAGCTATCCAAGTGGCAAAACAA-3'
Protein context (NP_001026.2, residues 3885-3905): ISDFYWYYSG[Lys3895Asn]DVIDEQGQRN